The following is an entry in ClinVar:

ClinVar aggregate classification (germline): Uncertain significance (1 of 4 stars; one submission).

Conditions:
Acromesomelic dysplasia 3 (AMD3). Also called: CHONDRODYSPLASIA, ACROMESOMELIC, WITH OR WITHOUT GENITAL ANOMALIES; Acromesomelic dysplasia, Demirhan type. Identifiers: MedGen C4225404, MONDO:0012274, OMIM 609441.
Type A2 brachydactyly (BDA2). Also called: BRACHYMESOPHALANGY II; MOHR-WRIEDT TYPE BRACHYDACTYLY; Brachymesophalangy type 2. Identifiers: Orphanet 93396, MedGen C1832702, MONDO:0007216, OMIM 112600, HP:0009372.

gnomAD v4.1: 3 of 1,613,966 alleles (0.00019%); highest among the groups gnomAD compares: South Asian, 0.0033%; no homozygotes.

Submission:

Labcorp Genetics (formerly Invitae), Labcorp
Classification: Uncertain significance for Type A2 brachydactyly; Acromesomelic dysplasia 3. Last evaluated: 2024-06-03. Review status: criteria provided, single submitter. Criteria: Invitae Variant Classification Sherloc (09022015). Collection method: clinical testing. Allele origin: germline.
Comment: This sequence change replaces alanine, which is neutral and non-polar, with valine, which is neutral and non-polar, at codon 229 of the BMPR1B protein (p.Ala229Val). This variant is present in population databases (rs769423606, gnomAD 0.003%). This variant has not been reported in the literature in individuals affected with BMPR1B-related conditions. Advanced modeling of protein sequence and biophysical properties (such as structural, functional, and spatial information, amino acid conservation, physicochemical variation, residue mobility, and thermodynamic stability) performed at Invitae indicates that this missense variant is expected to disrupt BMPR1B protein function with a positive predictive value of 80%. In summary, the available evidence is currently insufficient to determine the role of this variant in disease. Therefore, it has been classified as a Variant of Uncertain Significance.

NM_001203.3(BMPR1B):c.686C>T (p.Ala229Val)

Gene: BMPR1B (bone morphogenetic protein receptor type 1B; plus strand). Cytogenetic location: 4q22.3.
Variant type: single nucleotide variant.
Coding change: c.686C>T on transcript NM_001203.3 (MANE Select); coding-DNA position 686, C replaced by T.
Protein change: p.Ala229Val; replaces alanine 229 with valine.
Molecular consequence: missense variant.
Genome position (GRCh38, 1-based): chr4:95,129,962, C>T. VCF-style: chr4-95129962-C-T. GRCh37 (hg19) VCF-style: chr4-96051113-C-T.
Other names: c.686C>T, p.Ala229Val (NM_001256792.2, NM_001256794.1); c.776C>T, p.Ala259Val (NM_001256793.2); short protein forms A229V, A259V.
Identifiers: ClinVar variation 3754654 (VCV003754654.2).
Genomic context (GRCh38, chr4:95,129,962, plus strand): 5'-AGATTGGAAAAGGTCGCTATGGGGAAGTTTGGATGGGAAAGTGGCGTGGCGAAAAGGTAG[C>T]TGTGAAAGTGTTCTTCACCACAGAGGAAGCCAGCTGGTTCAGAGAGACAGAAATATATCA-3'
Protein context (NP_001194.1, residues 219-239): WMGKWRGEKV[Ala229Val]VKVFFTTEEA